The following is an entry in ClinVar:

ClinVar aggregate classification (germline): Likely benign (0 of 4 stars; one submission).

Conditions:
PLXNA2-related disorder. Also called: PLXNA2-related condition.

Allele frequency attached by ClinVar (database versions not stated): gnomAD 0.00001; ExAC 0.00003; gnomAD exomes 0.00003.
gnomAD v4.1: 41 of 1,613,390 alleles (0.0025%); highest among the groups gnomAD compares: Middle Eastern, 0.016%; no homozygotes.

Submission:

PreventionGenetics, part of Exact Sciences
Classification: Likely benign for PLXNA2-related condition. Last evaluated: 2024-01-03. Review status: no assertion criteria provided. Collection method: clinical testing. Allele origin: germline.
Comment: This variant is classified as likely benign based on ACMG/AMP sequence variant interpretation guidelines (Richards et al. 2015 PMID: 25741868, with internal and published modifications).

NM_025179.4(PLXNA2):c.5121C>T (p.Ser1707=)

Gene: PLXNA2 (plexin A2; minus strand). Cytogenetic location: 1q32.2.
Variant type: single nucleotide variant.
Coding change: c.5121C>T on transcript NM_025179.4 (MANE Select); coding-DNA position 5121, C replaced by T.
Protein change: p.Ser1707=; no amino-acid change (serine 1707 retained).
Molecular consequence: synonymous variant.
Genome position (GRCh38, 1-based): chr1:208,031,694, G>A on the plus strand (C>T on the coding strand, the complement: PLXNA2 is on the minus strand). VCF-style: chr1-208031694-G-A. GRCh37 (hg19) VCF-style: chr1-208205039-G-A.
Identifiers: ClinVar variation 3049589 (VCV003049589.2), dbSNP rs781075633, ClinGen allele CA1372654.